The following is an entry in ClinVar:

NM_002439.5(MSH3):c.1575dup (p.Lys526Ter)

Gene: MSH3 (mutS homolog 3; plus strand). Cytogenetic location: 5q14.1.
Variant type: Duplication.
Coding change: c.1575dup on transcript NM_002439.5 (MANE Select); coding-DNA position 1575, one base duplicated (T; older notation c.1575dupT).
Protein change: p.Lys526Ter; replaces lysine 526 with a stop codon.
Molecular consequence: nonsense.
Genome position (GRCh38, 1-based): chr5:80,741,470, T duplicated; the last of 4 consecutive T bases (chr5:80,741,467-80,741,470); duplicating any one gives the same sequence. VCF-style (leftmost placement, unchanged base first): chr5-80741466-A-AT. GRCh37 (hg19) VCF-style: chr5-80037285-A-AT.
Other names: short protein forms K526*.
Identifiers: ClinVar variation 1073766 (VCV001073766.7), dbSNP rs2112866746, ClinGen allele CA2499217945.

ClinVar aggregate classification (germline): Pathogenic. Review status: criteria provided, multiple submitters, no conflicts (2 of 4 stars). 2 submissions from 2 submitters: Pathogenic (2). Last evaluated 2026-01-20.

Conditions:
Familial adenomatous polyposis 4 (FAP4). Also called: MSH3-related attenuated familial adenomatous polyposis. Identifiers: Orphanet 480536, MedGen C4310719, MONDO:0044300, OMIM 617100.

Submissions (2):

Labcorp Genetics (formerly Invitae), Labcorp
Classification: Pathogenic. Last evaluated: 2026-01-20. Review status: criteria provided, single submitter. Criteria: Invitae Variant Classification Sherloc (09022015). Collection method: clinical testing. Allele origin: germline.
Comment: This sequence change creates a premature translational stop signal (p.Lys526*) in the MSH3 gene. It is expected to result in an absent or disrupted protein product. Loss-of-function variants in MSH3 are known to be pathogenic (PMID: 27476653, 37402566). This variant is not present in population databases (gnomAD no frequency). This variant has not been reported in the literature in individuals affected with MSH3-related conditions. ClinVar contains an entry for this variant (Variation ID: 1073766). For these reasons, this variant has been classified as Pathogenic.

Myriad Genetics, Inc.
Classification: Pathogenic for Familial adenomatous polyposis 4. Last evaluated: 2023-08-30. Review status: criteria provided, single submitter. Criteria: Myriad Autosomal Dominant, Autosomal Recessive and X-Linked Classification Criteria (2023). Collection method: clinical testing. Allele origin: unknown.
Comment: This variant is considered pathogenic. This variant creates a termination codon and is predicted to result in premature protein truncation.

Literature cited by the submitters: PubMed 27476653 (cited by Labcorp Genetics (formerly Invitae), Labcorp); PubMed 37402566 (cited by Labcorp Genetics (formerly Invitae), Labcorp).